The following is an entry in ClinVar:

ClinVar aggregate classification (germline): Uncertain significance. Review status: criteria provided, multiple submitters, no conflicts (2 of 4 stars). 2 submissions from 2 submitters: Uncertain significance (2). Last evaluated 2026-03-13.

Conditions:
LRRC45-related disorder. Also called: LRRC45-related condition.

Allele frequency attached by ClinVar (database versions not stated): ESP Exome Variant Server 0.00015; gnomAD 0.00015; TOPMed 0.00015.

Submissions (2):

PreventionGenetics, part of Exact Sciences
Classification: Uncertain significance for LRRC45-related condition. Last evaluated: 2026-03-13. Review status: criteria provided, single submitter. Criteria: ACMG Guidelines, 2015. Collection method: clinical testing. Allele origin: germline.
Comment: The LRRC45 c.1134G>T variant is predicted to result in the amino acid substitution p.Glu378Asp. To our knowledge, this variant has not been reported in the literature. This variant is reported in 0.016% of alleles in individuals of African descent in gnomAD. At this time, the clinical significance of this variant is uncertain due to the absence of conclusive functional and genetic evidence.

Ambry Genetics
Classification: Uncertain significance. Last evaluated: 2021-07-06. Review status: criteria provided, single submitter. Criteria: Ambry Variant Classification Scheme 2023. Collection method: clinical testing. Allele origin: germline.

NM_144999.4(LRRC45):c.1134G>T (p.Glu378Asp)

Gene: LRRC45 (leucine rich repeat containing 45; plus strand). Cytogenetic location: 17q25.3.
Variant type: single nucleotide variant.
Coding change: c.1134G>T on transcript NM_144999.4 (MANE Select); coding-DNA position 1134, G replaced by T.
Protein change: p.Glu378Asp; replaces glutamic acid 378 with aspartic acid.
Molecular consequence: missense variant.
Genome position (GRCh38, 1-based): chr17:82,028,405, G>T. VCF-style: chr17-82028405-G-T. GRCh37 (hg19) VCF-style: chr17-79986281-G-T.
Other names: c.1134G>T (NM_144999.3); short protein forms E378D.
Identifiers: ClinVar variation 2393766 (VCV002393766.3), dbSNP rs376967468, ClinGen allele CA8847949.